The following is an entry in ClinVar:

ClinVar aggregate classification (germline): Likely pathogenic (1 of 4 stars; one submission).

Conditions:
Dilated cardiomyopathy 1G (CMD1G). Identifiers: Orphanet 154, MedGen C1858763, MONDO:0011400, OMIM 604145.
Autosomal recessive limb-girdle muscular dystrophy type 2J (LGMDR10). Also called: Limb-girdle muscular dystrophy, type 2J; MUSCULAR DYSTROPHY, LIMB-GIRDLE, AUTOSOMAL RECESSIVE 10. Identifiers: Orphanet 140922, MedGen C1837342, MONDO:0012127, OMIM 608807.

Submission:

Labcorp Genetics (formerly Invitae), Labcorp
Classification: Likely pathogenic for Dilated cardiomyopathy 1G; Autosomal recessive limb-girdle muscular dystrophy type 2J. Last evaluated: 2022-07-19. Review status: criteria provided, single submitter. Criteria: Invitae Variant Classification Sherloc (09022015). Collection method: clinical testing. Allele origin: germline.
Comment: This variant is located in the A band of TTN (PMID: 25589632). Truncating variants in this region are significantly overrepresented in patients affected with dilated cardiomyopathy (PMID: 25589632). Truncating variants in this region have also been reported in individuals affected with autosomal recessive centronuclear myopathy (PMID: 23975875). In summary, the currently available evidence indicates that the variant is pathogenic, but additional data are needed to prove that conclusively. Therefore, this variant has been classified as Likely Pathogenic. ClinVar contains an entry for this variant (Variation ID: 1469404). This variant has not been reported in the literature in individuals affected with TTN-related conditions. This variant is not present in population databases (gnomAD no frequency). This sequence change creates a premature translational stop signal (p.Gly24290Aspfs*113) in the TTN gene. While this is not anticipated to result in nonsense mediated decay, it is expected to create a truncated TTN protein.

Literature cited by the submitters: PubMed 25589632; PubMed 23975875.

NM_001267550.2(TTN):c.72867del (p.Gly24290fs)

Genes: TTN-AS1 (TTN antisense RNA 1; plus strand), TTN (titin; minus strand). Cytogenetic location: 2q31.2.
Variant type: Deletion.
Coding change: c.72867del on transcript NM_001267550.2 (MANE Select); coding-DNA position 72867, one base deleted (A; older notation c.72867delA).
Protein change: p.Gly24290fs; shifts the reading frame from glycine 24290.
Molecular consequence: frameshift variant.
Genome position (GRCh38, 1-based): chr2:178,573,265, T deleted on the plus strand (A on the coding strand, the reverse complement: TTN is on the minus strand); the first of 2 consecutive T bases (chr2:178,573,265-178,573,266); deleting either gives the same sequence. VCF-style (leftmost placement, unchanged base first): chr2-178573264-CT-C. GRCh37 (hg19) VCF-style: chr2-179437991-CT-C.
Other names: c.67944del, p.Gly22649fs (NM_001256850.1); c.45672del, p.Gly15225fs (NM_003319.4); c.65163del, p.Gly21722fs (NM_133378.4); c.46047del, p.Gly15350fs (NM_133432.3); c.46248del, p.Gly15417fs (NM_133437.4); short protein forms G22649fs, G24290fs, G15225fs, G15350fs, G15417fs, G21722fs.
Identifiers: ClinVar variation 1469404 (VCV001469404.6), dbSNP rs2154170719, ClinGen allele CA2573134170.